The following is an entry in ClinVar:

ClinVar aggregate classification (germline): Likely benign (1 of 4 stars; one submission).

gnomAD v4.1: 31 of 1,196,986 alleles (0.0026%); highest among the groups gnomAD compares: African/African-American, 0.042%; no homozygotes.

Submission:

CeGaT Center for Human Genetics Tuebingen
Classification: Likely benign. Last evaluated: 2026-09-01. Review status: criteria provided, single submitter. Criteria: CeGaT Center For Human Genetics Tuebingen Variant Classification Criteria Version 2. Collection method: clinical testing. Allele origin: germline. Affected: yes. Observed: 1 variant allele.
Comment: FTSJ1: BP4, BP7, BS2

NM_012280.4(FTSJ1):c.768C>T (p.Gly256=)

Gene: FTSJ1 (FtsJ RNA 2'-O-methyltransferase 1; plus strand). Cytogenetic location: Xp11.23.
Variant type: single nucleotide variant.
Coding change: c.768C>T on transcript NM_012280.4 (MANE Select); coding-DNA position 768, C replaced by T.
Protein change: p.Gly256=; no amino-acid change (glycine 256 retained).
Molecular consequence: synonymous variant.
Genome position (GRCh38, 1-based): chrX:48,482,605, C>T. VCF-style: chrX-48482605-C-T. GRCh37 (hg19) VCF-style: chrX-48340993-C-T.
Other names: c.357C>T, p.Gly119= (NM_001282157.2); c.768C>T, p.Gly256= (NM_001441195.1, NM_001441197.1, NM_001441198.1); c.762C>T, p.Gly254= (NM_001441196.1, NM_001441199.1, NM_001441200.1 and 1 more transcripts).
Identifiers: ClinVar variation 5041293 (VCV005041293.1).